The following is an entry in ClinVar:

NM_183050.4(BCKDHB):c.508C>T (p.Arg170Cys)

Gene: BCKDHB (branched chain keto acid dehydrogenase E1 subunit beta; plus strand). Cytogenetic location: 6q14.1.
Variant type: single nucleotide variant.
Coding change: c.508C>T on transcript NM_183050.4 (MANE Select); coding-DNA position 508, C replaced by T.
Protein change: p.Arg170Cys; replaces arginine 170 with cysteine.
Molecular consequence: missense variant. On other transcripts: non-coding transcript variant (1).
Genome position (GRCh38, 1-based): chr6:80,168,905, C>T. VCF-style: chr6-80168905-C-T. GRCh37 (hg19) VCF-style: chr6-80878622-C-T.
Other names: c.508C>T, p.Arg170Cys (NM_000056.5); c.298C>T, p.Arg100Cys (NM_001318975.1); short protein forms R170C, R100C.
Identifiers: ClinVar variation 96590 (VCV000096590.22), dbSNP rs398124581, ClinGen allele CA224301.

ClinVar aggregate classification (germline): Pathogenic/Likely pathogenic. Review status: criteria provided, multiple submitters, no conflicts (2 of 4 stars). 6 submissions from 6 submitters: Pathogenic (3); Likely pathogenic (2). 1 of the submissions does not count toward it. Last evaluated 2025-02-18.

Conditions:
Inborn genetic diseases. Identifiers: MedGen C0950123, MeSH D030342.
Maple syrup urine disease type 1A (MSUD1A). Also called: MSUD type 1A. Identifiers: MedGen C1855369, MONDO:0023691, OMIM 248600.
Maple syrup urine disease type 1B (MSUD1B). Also called: MSUD type IB; MSUD type 3 (formerly); MSUD due to deficiency of e1-beta subunit of branched-chain alpha-keto acid dehydrogenase complex. Identifiers: MedGen C2930990, MONDO:0023692, OMIM 620698.
Maple syrup urine disease (MSUD). Identifiers: Orphanet 511, MedGen C0024776, MeSH D008375, MONDO:0009563. Disease mechanism: loss of function.

gnomAD v4.1: 22 of 1,614,118 alleles (0.0014%); highest among the groups gnomAD compares: Middle Eastern, 0.016%; no homozygotes.

Submissions (6):

Natera, Inc.
Classification: Pathogenic for Maple syrup urine disease type 1B. Last evaluated: 2025-02-18. Review status: criteria provided, single submitter. Criteria: Natera Variant Classification Schema (03/2026). Collection method: clinical testing. Allele origin: germline.
Comment: The c.508C>T variant in BCKDHB is a missense variant predicted to cause substitution of arginine to cysteine at amino acid 170. This variant is rare in the general population with a frequency below the threshold expected for the associated phenotype(s). This variant has been observed in one or more individuals affected with the associated recessive disease, as either homozygous or compound heterozygous with a second variant (PMID: 25381949, 31119508, 29307017). Computational prediction algorithms indicate this variant is likely to affect gene or protein function. Given the available evidence, this variant is classified as Pathogenic.

Labcorp Genetics (formerly Invitae), Labcorp
Classification: Pathogenic for Maple syrup urine disease. Last evaluated: 2024-01-09. Review status: criteria provided, single submitter. Criteria: Invitae Variant Classification Sherloc (09022015). Collection method: clinical testing. Allele origin: germline.
Comment: This sequence change replaces arginine, which is basic and polar, with cysteine, which is neutral and slightly polar, at codon 170 of the BCKDHB protein (p.Arg170Cys). This variant is present in population databases (rs398124581, gnomAD 0.002%). This missense change has been observed in individual(s) with maple syrup urine disease (PMID: 25381949, 26453840, 27682710, 29307017). In at least one individual the data is consistent with being in trans (on the opposite chromosome) from a pathogenic variant. ClinVar contains an entry for this variant (Variation ID: 96590). An algorithm developed to predict the effect of missense changes on protein structure and function (PolyPhen-2) suggests that this variant is likely to be disruptive. This variant disrupts the p.Arg170 amino acid residue in BCKDHB. Other variant(s) that disrupt this residue have been observed in individuals with BCKDHB-related conditions (PMID: 22326532; Invitae), which suggests that this may be a clinically significant amino acid residue. For these reasons, this variant has been classified as Pathogenic.

Ambry Genetics
Classification: Pathogenic for Inborn genetic diseases. Last evaluated: 2022-10-21. Review status: criteria provided, single submitter. Criteria: Ambry Variant Classification Scheme 2023. Collection method: clinical testing. Allele origin: germline.
Comment: The c.508C>T (p.R170C) alteration is located in exon 5 (coding exon 5) of the BCKDHB gene. This alteration results from a C to T substitution at nucleotide position 508, causing the arginine (R) at amino acid position 170 to be replaced by a cysteine (C). Based on data from gnomAD, the T allele has an overall frequency of 0.001% (2/251436) total alleles studied. The highest observed frequency was 0.002% (2/113724) of European (non-Finnish) alleles. This variant has been identified in the homozygous and compound heterozygous state in several individuals with maple syrup urine disease (Li, 2015; Miryounesi, 2015; Abiri, 2017; Li, 2018; Fang, 2021; Mart&iacute;n-Rivada, 2022). In addition, multiple different variants at this amino acid position have been detected in patients with maple syrup urine disease including p.R170H (c.509G>A), p.R170G (c.508C>G), and p.R170P (c.509G>C)(Strauss, 2020; O'Reilly, 2021; Wang, 2012; ClinVar database). This amino acid position is highly conserved in available vertebrate species. This alteration is predicted to be deleterious by in silico analysis. Based on the available evidence, this alteration is classified as pathogenic.

Genome-Nilou Lab
Classification: Likely pathogenic for Maple syrup urine disease type 1A. Last evaluated: 2021-11-07. Review status: criteria provided, single submitter. Criteria: ACMG Guidelines, 2015. Collection method: clinical testing. Allele origin: germline. Affected: no.

Eurofins Ntd Llc (ga)
Classification: Likely pathogenic. Last evaluated: 2013-09-17. Review status: criteria provided, single submitter. Criteria: EGL Classification Definitions. Collection method: clinical testing. Allele origin: germline. Observed: 2 variant alleles, 1 heterozygote, 1 homozygote.

Counsyl
Classification: Likely pathogenic for Maple syrup urine disease type 1A. Last evaluated: 2018-03-23. Review status: no assertion criteria provided. Collection method: clinical testing. Allele origin: unknown. Not counted in ClinVar's aggregate classification.

Literature cited by the submitters: PubMed 25381949 (cited by 4 submitters); PubMed 31119508 (cited by Natera, Inc.); PubMed 29307017 (cited by 3 submitters); PubMed 26453840 (cited by 3 submitters); PubMed 27682710 (cited by Labcorp Genetics (formerly Invitae), Labcorp and Counsyl); PubMed 22326532 (cited by Labcorp Genetics (formerly Invitae), Labcorp and Ambry Genetics); PubMed 20301495 (cited by Ambry Genetics); PubMed 27507644 (cited by Ambry Genetics and Counsyl); PubMed 31980395 (cited by Ambry Genetics); PubMed 33300147 (cited by Ambry Genetics); PubMed 34556729 (cited by Ambry Genetics); PubMed 35281663 (cited by Ambry Genetics).